The following is an entry in ClinVar:

NM_014908.4(DOLK):c.344C>T (p.Ala115Val)

Gene: DOLK (dolichol kinase; minus strand). Cytogenetic location: 9q34.11.
Variant type: single nucleotide variant.
Coding change: c.344C>T on transcript NM_014908.4 (MANE Select); coding-DNA position 344, C replaced by T.
Protein change: p.Ala115Val; replaces alanine 115 with valine.
Molecular consequence: missense variant.
Genome position (GRCh38, 1-based): chr9:128,946,960, G>A on the plus strand (C>T on the coding strand, the complement: DOLK is on the minus strand). VCF-style: chr9-128946960-G-A. GRCh37 (hg19) VCF-style: chr9-131709239-G-A.
Other names: p.Ala115Val; short protein forms A115V.
Identifiers: ClinVar variation 464199 (VCV000464199.11), dbSNP rs146804211, ClinGen allele CA5271763.
Genomic context (GRCh38, chr9:128,946,960, plus strand): 5'-GGGCGAGTGATGCCGAGCGCCAACACTGATGAGAAGAGGGCCACTGCCATGCCAGTGGCT[G>A]CCACCACAATGCCAAAACGCTCAAAGAACGGGTTCCCAGCAGTCTGGCACCGCTCCTTCA-3'
Protein context (NP_055723.1, residues 105-125): PFFERFGIVV[Ala115Val]ATGMAVALFS

ClinVar aggregate classification (germline): Uncertain significance. Review status: criteria provided, multiple submitters, no conflicts (2 of 4 stars). 4 submissions from 4 submitters: Uncertain significance (4). Last evaluated 2025-07-15.

Conditions:
DK1-congenital disorder of glycosylation. Also called: CONGENITAL DISORDER OF GLYCOSYLATION, TYPE Im; CDG Im; DK1 DEFICIENCY; DOLICHOL KINASE DEFICIENCY; DOLK-congenital disorder of glycosylation; Carbohydrate deficient glycoprotein syndrome type 1m. Identifiers: Orphanet 91131, MedGen C1835849, MONDO:0012556, OMIM 610768.
Cardiovascular phenotype. Identifiers: MedGen CN230736.

Allele frequency attached by ClinVar (database versions not stated): ExAC 0.00003; gnomAD exomes 0.00004 and 0.00012; TOPMed 0.00004; gnomAD 0.00005 and 0.00006; ESP Exome Variant Server 0.00015.

Submissions (4):

Ambry Genetics
Classification: Uncertain significance for Cardiovascular phenotype. Last evaluated: 2025-07-15. Review status: criteria provided, single submitter. Criteria: Ambry Variant Classification Scheme 2023. Collection method: clinical testing. Allele origin: germline.
Comment: The p.A115V variant (also known as c.344C>T), located in coding exon 1 of the DOLK gene, results from a C to T substitution at nucleotide position 344. The alanine at codon 115 is replaced by valine, an amino acid with similar properties. This amino acid position is not well conserved in available vertebrate species. In addition, this alteration is predicted to be tolerated by in silico analysis. Based on the available evidence, the clinical significance of this variant remains unclear.

Labcorp Genetics (formerly Invitae), Labcorp
Classification: Uncertain significance for DK1-congenital disorder of glycosylation. Last evaluated: 2024-11-27. Review status: criteria provided, single submitter. Criteria: Invitae Variant Classification Sherloc (09022015). Collection method: clinical testing. Allele origin: germline.
Comment: This sequence change replaces alanine, which is neutral and non-polar, with valine, which is neutral and non-polar, at codon 115 of the DOLK protein (p.Ala115Val). This variant is present in population databases (rs146804211, gnomAD 0.008%). This variant has not been reported in the literature in individuals affected with DOLK-related conditions. ClinVar contains an entry for this variant (Variation ID: 464199). Invitae Evidence Modeling of protein sequence and biophysical properties (such as structural, functional, and spatial information, amino acid conservation, physicochemical variation, residue mobility, and thermodynamic stability) indicates that this missense variant is not expected to disrupt DOLK protein function with a negative predictive value of 80%. In summary, the available evidence is currently insufficient to determine the role of this variant in disease. Therefore, it has been classified as a Variant of Uncertain Significance.

Mayo Clinic Laboratories, Mayo Clinic
Classification: Uncertain significance. Last evaluated: 2024-06-10. Review status: criteria provided, single submitter. Criteria: ACMG Guidelines, 2015. Collection method: clinical testing. Allele origin: germline. Observed: 1 variant allele.

Fulgent Genetics
Classification: Uncertain significance for DK1-congenital disorder of glycosylation. Last evaluated: 2021-07-13. Review status: criteria provided, single submitter. Criteria: ACMG Guidelines, 2015. Collection method: clinical testing. Allele origin: unknown.